The following is an entry in ClinVar:

NM_014920.5(CILK1):c.785G>A (p.Arg262Lys)

Gene: CILK1 (ciliogenesis associated kinase 1; minus strand). Cytogenetic location: 6p12.1.
Variant type: single nucleotide variant.
Coding change: c.785G>A on transcript NM_014920.5 (MANE Select); coding-DNA position 785, G replaced by A.
Protein change: p.Arg262Lys; replaces arginine 262 with lysine.
Molecular consequence: missense variant. On other transcripts: non-coding transcript variant (1).
Genome position (GRCh38, 1-based): chr6:53,016,129, C>T on the plus strand (G>A on the coding strand, the complement: CILK1 is on the minus strand). VCF-style: chr6-53016129-C-T. GRCh37 (hg19) VCF-style: chr6-52880927-C-T.
Other names: c.785G>A (NM_016513.4); c.785G>A, p.Arg262Lys (NM_001375397.1, NM_001375398.1, NM_001375399.1 and 4 more transcripts); short protein forms R262K.
Identifiers: ClinVar variation 593881 (VCV000593881.8), dbSNP rs151237769, ClinGen allele CA3858701.
Genomic context (GRCh38, chr6:53,016,129, plus strand): 5'-AAATGGAAGAAAACCTGACTAGCTGTTGGTCGTTTCTTGGGATCCCACTGAAGCATGTCT[C>T]TCAGGAGCTGGACTGCTTCACTGCTAGCATTGGGAATCAAGGTCTTTAAGTTATTGGGTA-3'
Protein context (NP_055735.1, residues 252-272): NASSEAVQLL[Arg262Lys]DMLQWDPKKR

ClinVar aggregate classification (germline): Uncertain significance. Review status: criteria provided, multiple submitters, no conflicts (2 of 4 stars). 4 submissions from 4 submitters: Uncertain significance (4). Last evaluated 2025-12-30.

Allele frequency attached by ClinVar (database versions not stated): ExAC 0.00006; gnomAD exomes 0.00006 and 0.00008; TOPMed 0.00006; ESP Exome Variant Server 0.00008; gnomAD 0.00009.
gnomAD v4.1: 128 of 1,613,998 alleles (0.0079%); highest among the groups gnomAD compares: Non-Finnish European, 0.011%; no homozygotes.

Submissions (4):

Women's Health and Genetics/Laboratory Corporation of America, LabCorp
Classification: Uncertain significance. Last evaluated: 2025-12-30. Review status: criteria provided, single submitter. Criteria: LabCorp Variant Classification Summary - May 2015. Collection method: clinical testing. Allele origin: germline.
Comment: Variant summary: CILK1 c.785G>A (p.Arg262Lys) results in a conservative amino acid change in the encoded protein sequence. Algorithms developed to predict the effect of missense changes on protein structure and function are either unavailable or do not agree on the potential impact of this missense change. The variant allele was found at a frequency of 6.4e-05 in 282758 control chromosomes. This frequency is not significantly higher than estimated for disease-causing variants in CILK1, allowing no conclusion about variant significance. To our knowledge, no occurrence of c.785G>A in individuals affected with CILK1-related conditions and no experimental evidence demonstrating its impact on protein function have been reported. ClinVar contains an entry for this variant (Variation ID: 593881). Based on the evidence outlined above, the variant was classified as uncertain significance.

Ambry Genetics
Classification: Uncertain significance. Last evaluated: 2024-03-16. Review status: criteria provided, single submitter. Criteria: Ambry Variant Classification Scheme 2023. Collection method: clinical testing. Allele origin: germline.

Labcorp Genetics (formerly Invitae), Labcorp
Classification: Uncertain significance. Last evaluated: 2022-05-28. Review status: criteria provided, single submitter. Criteria: Invitae Variant Classification Sherloc (09022015). Collection method: clinical testing. Allele origin: germline.
Comment: This sequence change replaces arginine, which is basic and polar, with lysine, which is basic and polar, at codon 262 of the ICK protein (p.Arg262Lys). This variant is present in population databases (rs151237769, gnomAD 0.01%). This variant has not been reported in the literature in individuals affected with ICK-related conditions. ClinVar contains an entry for this variant (Variation ID: 593881). Algorithms developed to predict the effect of missense changes on protein structure and function (SIFT, PolyPhen-2, Align-GVGD) all suggest that this variant is likely to be tolerated. In summary, the available evidence is currently insufficient to determine the role of this variant in disease. Therefore, it has been classified as a Variant of Uncertain Significance.

Eurofins Ntd Llc (ga)
Classification: Uncertain significance. Last evaluated: 2017-09-20. Review status: criteria provided, single submitter. Criteria: EGL Classification Definitions 2015. Collection method: clinical testing. Allele origin: germline. Observed: 1 variant allele, 1 heterozygote.